The following is an entry in ClinVar:

NM_017636.4(TRPM4):c.512G>A (p.Arg171Gln)

Gene: TRPM4 (transient receptor potential cation channel subfamily M member 4; plus strand). Cytogenetic location: 19q13.33.
Variant type: single nucleotide variant.
Coding change: c.512G>A on transcript NM_017636.4 (MANE Select); coding-DNA position 512, G replaced by A.
Protein change: p.Arg171Gln; replaces arginine 171 with glutamine.
Molecular consequence: missense variant. On other transcripts: 5 prime UTR variant (2), intron variant (2).
Genome position (GRCh38, 1-based): chr19:49,168,323, G>A. VCF-style: chr19-49168323-G-A. GRCh37 (hg19) VCF-style: chr19-49671580-G-A.
Other names: c.512G>A, p.Arg171Gln (NM_001195227.2); c.-1042G>A (NM_001321282.2); c.-11G>A (NM_001321283.2); c.268-230G>A (NM_001321281.2); c.-237-230G>A (NM_001321285.2); short protein forms R171Q.
Identifiers: ClinVar variation 2384545 (VCV002384545.3), dbSNP rs1967311370, ClinGen allele CA406791209.

ClinVar aggregate classification (germline): Uncertain significance. Review status: criteria provided, multiple submitters, no conflicts (2 of 4 stars). 2 submissions from 2 submitters: Uncertain significance (2). Last evaluated 2024-12-07.

Conditions:
Cardiovascular phenotype. Identifiers: MedGen CN230736.

Allele frequency attached by ClinVar (database versions not stated): gnomAD 0.00001.
gnomAD v4.1: 1 of 1,613,990 alleles (0.000062%); no homozygotes.

Submissions (2):

GeneDx
Classification: Uncertain significance. Last evaluated: 2024-12-07. Review status: criteria provided, single submitter. Criteria: GeneDx Variant Classification Process June 2021. Collection method: clinical testing. Allele origin: germline. Affected: yes.
Comment: Not observed at significant frequency in large population cohorts (gnomAD); In silico analysis supports that this missense variant has a deleterious effect on protein structure/function; Has been observed in two siblings with hypoplastic left heart and tricuspid atresia as de novo or potentially inherited from a parent with low level mosaicism (PMID: 32037394); This variant is associated with the following publications: (PMID: 32037394)

Ambry Genetics
Classification: Uncertain significance for Cardiovascular phenotype. Last evaluated: 2021-10-04. Review status: criteria provided, single submitter. Criteria: Ambry Variant Classification Scheme 2023. Collection method: clinical testing. Allele origin: germline.
Comment: The c.512G>A (p.R171Q) alteration is located in exon 5 (coding exon 5) of the TRPM4 gene. This alteration results from a G to A substitution at nucleotide position 512, causing the arginine (R) at amino acid position 171 to be replaced by a glutamine (Q). This variant was not reported in population-based cohorts in the Genome Aggregation Database (gnomAD). Parental testing found possible low-level mosaicism in the father (Reuter, 2020). This alteration is predicted to be tolerated by in silico analysis. Based on insufficient or conflicting evidence, the clinical significance of this alteration remains unclear.

Literature cited by the submitters: PubMed 32037394 (cited by Ambry Genetics).